The following is an entry in ClinVar:

NM_001372044.2(SHANK3):c.3607C>A (p.Pro1203Thr)

Gene: SHANK3 (SH3 and multiple ankyrin repeat domains 3; plus strand). Cytogenetic location: 22q13.33.
Variant type: single nucleotide variant.
Coding change: c.3607C>A on transcript NM_001372044.2 (MANE Select); coding-DNA position 3607, C replaced by A.
Protein change: p.Pro1203Thr; replaces proline 1203 with threonine.
Molecular consequence: missense variant.
Genome position (GRCh38, 1-based): chr22:50,721,215, C>A. VCF-style: chr22-50721215-C-A. GRCh37 (hg19) VCF-style: chr22-51159643-C-A.
Other names: short protein forms P1203T.
Identifiers: ClinVar variation 3251528 (VCV003251528.2), dbSNP rs2518427850.

ClinVar aggregate classification (germline): Uncertain significance (1 of 4 stars; one submission).

Submission:

Women's Health and Genetics/Laboratory Corporation of America, LabCorp
Classification: Uncertain significance. Last evaluated: 2025-11-26. Review status: criteria provided, single submitter. Criteria: LabCorp Variant Classification Summary - May 2015. Collection method: clinical testing. Allele origin: germline.
Comment: Variant summary: SHANK3 c.3607C>A (p.Pro1203Thr) results in a non-conservative amino acid change in the encoded protein sequence. Algorithms developed to predict the effect of missense changes on protein structure and function are either unavailable or do not agree on the potential impact of this missense change. The frequency data for this variant in gnomAD is considered unreliable, as metrics indicate poor data quality at this position. To our knowledge, no occurrence of c.3607C>A in individuals affected with SHANK3-related conditions and no experimental evidence demonstrating its impact on protein function have been reported. No submitters have cited clinical-significance assessments for this variant to ClinVar. Based on the evidence outlined above, the variant was classified as uncertain significance.